The following is an entry in ClinVar:

ClinVar aggregate classification (germline): Uncertain significance. Review status: criteria provided, multiple submitters, no conflicts (2 of 4 stars). 3 submissions from 3 submitters: Uncertain significance (3). Last evaluated 2025-12-07.

Conditions:
Cutis laxa, autosomal dominant 3 (ADCL3). Identifiers: Orphanet 90348, MedGen C4225268, MONDO:0014706, OMIM 616603.
Autosomal dominant spastic paraplegia type 9. Identifiers: MedGen C1832669, MONDO:0015091.
de Barsy syndrome. Also called: Cutis laxa-corneal clouding-oligophrenia syndrome. Identifiers: Orphanet 2962, MedGen C0268354, MONDO:0017569.

Allele frequency attached by ClinVar (database versions not stated): ExAC 0.00007; gnomAD 0.00015 and 0.00014; gnomAD exomes 0.00009 and 0.00018; TOPMed 0.00012; ESP Exome Variant Server 0.00015.
gnomAD v4.1: 275 of 1,614,086 alleles (0.017%); highest among the groups gnomAD compares: Admixed American, 0.027%; no homozygotes.

Submissions (3):

Labcorp Genetics (formerly Invitae), Labcorp
Classification: Uncertain significance for Autosomal dominant spastic paraplegia type 9; de Barsy syndrome; Cutis laxa, autosomal dominant 3. Last evaluated: 2025-12-07. Review status: criteria provided, single submitter. Criteria: Invitae Variant Classification Sherloc (09022015). Collection method: clinical testing. Allele origin: germline.
Comment: This sequence change replaces threonine, which is neutral and polar, with alanine, which is neutral and non-polar, at codon 50 of the ALDH18A1 protein (p.Thr50Ala). This variant is present in population databases (rs374047257, gnomAD 0.02%). This variant has not been reported in the literature in individuals affected with ALDH18A1-related conditions. ClinVar contains an entry for this variant (Variation ID: 1179907). An algorithm developed to predict the effect of missense changes on protein structure and function (PolyPhen-2) suggests that this variant is likely to be tolerated. In summary, the available evidence is currently insufficient to determine the role of this variant in disease. Therefore, it has been classified as a Variant of Uncertain Significance.

GeneDx
Classification: Uncertain significance. Last evaluated: 2025-10-25. Review status: criteria provided, single submitter. Criteria: GeneDx Variant Classification Process June 2021. Collection method: clinical testing. Allele origin: germline. Affected: yes.
Comment: Has not been previously published as pathogenic or benign to our knowledge; In silico analysis suggests that this missense variant does not alter protein structure/function

Mayo Clinic Laboratories, Mayo Clinic
Classification: Uncertain significance. Last evaluated: 2024-11-19. Review status: criteria provided, single submitter. Criteria: ACMG Guidelines, 2015. Collection method: clinical testing. Allele origin: germline. Observed: 1 variant allele.
Comment: BP4

NM_002860.4(ALDH18A1):c.148A>G (p.Thr50Ala)

Gene: ALDH18A1 (aldehyde dehydrogenase 18 family member A1; minus strand). Cytogenetic location: 10q24.1.
Variant type: single nucleotide variant.
Coding change: c.148A>G on transcript NM_002860.4 (MANE Select); coding-DNA position 148, A replaced by G.
Protein change: p.Thr50Ala; replaces threonine 50 with alanine.
Molecular consequence: missense variant. On other transcripts: intron variant (4).
Genome position (GRCh38, 1-based): chr10:95,643,147, T>C on the plus strand (A>G on the coding strand, the complement: ALDH18A1 is on the minus strand). VCF-style: chr10-95643147-T-C. GRCh37 (hg19) VCF-style: chr10-97402904-T-C.
Other names: p.Thr50Ala; c.-30-5711A>G (NM_001323416.2, NM_001323412.2, NM_001323418.2); c.148A>G, p.Thr50Ala (NM_001017423.2, NM_001323413.2, NM_001323414.2 and 2 more transcripts); c.-78-9498A>G (NM_001323419.2); short protein forms T50A.
Identifiers: ClinVar variation 1179907 (VCV001179907.12), dbSNP rs374047257, ClinGen allele CA5620674.